The following is an entry in ClinVar:

ClinVar aggregate classification (germline): Uncertain significance (1 of 4 stars; one submission).

Submission:

Women's Health and Genetics/Laboratory Corporation of America, LabCorp
Classification: Uncertain significance. Last evaluated: 2024-07-09. Review status: criteria provided, single submitter. Criteria: LabCorp Variant Classification Summary - May 2015. Collection method: clinical testing. Allele origin: germline.
Comment: Variant summary: TG c.3196C>A (p.Arg1066Ser) results in a non-conservative amino acid change located in the thyroglobulin type-1 domain (IPR000716) of the encoded protein sequence. Four of five in-silico tools predict a damaging effect of the variant on protein function. The variant was absent in 235072 control chromosomes. The available data on variant occurrences in the general population are insufficient to allow any conclusion about variant significance. To our knowledge, no occurrence of c.3196C>A in individuals affected with TG-Related Disorders and no experimental evidence demonstrating its impact on protein function have been reported. No submitters have cited clinical-significance assessments for this variant to ClinVar. Based on the evidence outlined above, the variant was classified as uncertain significance.

NM_003235.5(TG):c.3196C>A (p.Arg1066Ser)

Gene: TG (thyroglobulin; plus strand). Cytogenetic location: 8q24.22.
Variant type: single nucleotide variant.
Coding change: c.3196C>A on transcript NM_003235.5 (MANE Select); coding-DNA position 3196, C replaced by A.
Protein change: p.Arg1066Ser; replaces arginine 1066 with serine.
Molecular consequence: missense variant.
Genome position (GRCh38, 1-based): chr8:132,898,225, C>A. VCF-style: chr8-132898225-C-A. GRCh37 (hg19) VCF-style: chr8-133910470-C-A.
Other names: short protein forms R1066S.
Identifiers: ClinVar variation 3339015 (VCV003339015.1).